The following is an entry in ClinVar:

ClinVar aggregate classification (germline): Pathogenic/Likely pathogenic. Review status: criteria provided, multiple submitters, no conflicts (2 of 4 stars). 3 submissions from 3 submitters: Pathogenic (1); Likely pathogenic (1). 1 of the submissions does not count toward it. Last evaluated 2025-04-17.

Conditions:
Cohen syndrome (COH1). Also called: PEPPER SYNDROME; Cutis verticis gyrata, retinitis pigmentosa, and sensorineural deafness. Identifiers: Orphanet 193, MedGen C0265223, MONDO:0008999, OMIM 216550.

Submissions (3):

Women's Health and Genetics/Laboratory Corporation of America, LabCorp
Classification: Likely pathogenic for Cohen syndrome. Last evaluated: 2025-04-17. Review status: criteria provided, single submitter. Criteria: LabCorp Variant Classification Summary - May 2015. Collection method: clinical testing. Allele origin: germline.
Comment: Variant summary: VPS13B c.11906_11915del10 (p.Pro3969LeufsX41) results in a premature termination codon, predicted to cause a truncation of the encoded protein but not expected to result in nonsense mediated decay. The variant was absent in 251412 control chromosomes (gnomAD). c.11906_11915del10 has been reported in the literature in at least one individual affected with Cohen syndrome (Kolehmainen_2004) where it was seen in trans with another pathogenic variant. These data indicate that the variant may be associated with disease. Truncations that disrupt this region (e.g. c.11907dupC; p.Ser3970Glnfs*22) have been reported in individuals with Cohen syndrome (PMID: 16648375). ClinVar contains an entry for this variant (Variation ID: 56643). Based on the evidence outlined above, the variant was classified as likely pathogenic.

Labcorp Genetics (formerly Invitae), Labcorp
Classification: Pathogenic for Cohen syndrome. Last evaluated: 2025-03-10. Review status: criteria provided, single submitter. Criteria: Invitae Variant Classification Sherloc (09022015). Collection method: clinical testing. Allele origin: germline.
Comment: This sequence change creates a premature translational stop signal (p.Pro3969Leufs*41) in the VPS13B gene. While this is not anticipated to result in nonsense mediated decay, it is expected to disrupt the last 54 amino acid(s) of the VPS13B protein. This variant is not present in population databases (gnomAD no frequency). This premature translational stop signal has been observed in individual(s) with clinical features of Cohen syndrome (PMID: 15141358; externalcommunication). In at least one individual the data is consistent with being in trans (on the opposite chromosome) from a pathogenic variant. ClinVar contains an entry for this variant (Variation ID: 56643). This variant disrupts the C-terminus of the VPS13B protein. Other variant(s) that disrupt this region (p.Ser3970Glnfs*22) have been observed in individuals with VPS13B-related conditions (PMID: 16648375). This suggests that this may be a clinically significant region of the protein. For these reasons, this variant has been classified as Pathogenic.

Juha Muilu Group; Institute for Molecular Medicine Finland (FIMM)
Classification: Likely pathogenic for Cohen syndrome. Review status: no assertion criteria provided. Collection method: not provided. Allele origin: unknown. Not counted in ClinVar's aggregate classification.
Comment: FinDis database variant: This variant was not found or characterized by our laboratory, data were collected from public sources: see reference
ClinVar note: Converted during submission from probable-pathogenic to Likely pathogenic.

Literature cited by the submitters: PubMed 19006247 (cited by Women's Health and Genetics/Laboratory Corporation of America, LabCorp); PubMed 15141358 (cited by Women's Health and Genetics/Laboratory Corporation of America, LabCorp and Labcorp Genetics (formerly Invitae), Labcorp); PubMed 29431110 (cited by Women's Health and Genetics/Laboratory Corporation of America, LabCorp); PubMed 16648375 (cited by Labcorp Genetics (formerly Invitae), Labcorp).

NM_152564.5(VPS13B):c.11831_11840del (p.Pro3944fs)

Gene: VPS13B (vacuolar protein sorting 13 homolog B; plus strand). Cytogenetic location: 8q22.2.
Variant type: Deletion.
Coding change: c.11831_11840del on transcript NM_152564.5 (MANE Select); coding-DNA positions 11831 to 11840, 10 bases deleted (CCAGCTGTTC; older notation c.11831_11840delCCAGCTGTTC).
Protein change: p.Pro3944fs; shifts the reading frame from proline 3944.
Molecular consequence: frameshift variant.
Genome position (GRCh38, 1-based): chr8:99,875,503-99,875,512, CCAGCTGTTC deleted; deleting any 10 consecutive bases within chr8:99,875,502-99,875,512 gives the same sequence; the c. name uses the placement nearest the transcript's 3' end. VCF-style (leftmost placement, unchanged base first): chr8-99875501-CCCCAGCTGTT-C. GRCh37 (hg19) VCF-style: chr8-100887729-CCCCAGCTGTT-C.
Other names: c.11906_11915del10 (NM_017890.4, NM_017890.5); c.11906_11915delCCAGCTGTTC (NM_017890.4); c.11906_11915del, p.Pro3969fs (NM_017890.5); short protein forms P3969fs, P3944fs.
Identifiers: ClinVar variation 56643 (VCV000056643.12), dbSNP rs386834069, ClinGen allele CA264023.
Genomic context (GRCh38, chr8:99,875,501, plus strand): 5'-GTCAGAGCAACAGTACAACAGACTGGTGGACTACATCACAAAGACATCTTGTCACCTGGC[CCCCAGCTGTT>C]CTTCCATGCAAATACCATGCCCTGTGGTGGCTGCAGAACCTCCCCCCTCCACTGTTAAAA-3'